The following is an entry in ClinVar:

ClinVar aggregate classification (germline): Uncertain significance (1 of 4 stars; one submission).

Submission:

Labcorp Genetics (formerly Invitae), Labcorp
Classification: Uncertain significance. Last evaluated: 2025-11-24. Review status: criteria provided, single submitter. Criteria: Invitae Variant Classification Sherloc (09022015). Collection method: clinical testing. Allele origin: germline.
Comment: This variant, c.883_885del, results in the deletion of 1 amino acid(s) of the ZNF408 protein (p.Ser295del), but otherwise preserves the integrity of the reading frame. This variant is present in population databases (no rsID available, gnomAD 0.002%). This variant has not been reported in the literature in individuals affected with ZNF408-related conditions. Experimental studies and prediction algorithms are not available or were not evaluated, and the functional significance of this variant is currently unknown. In summary, the available evidence is currently insufficient to determine the role of this variant in disease. Therefore, it has been classified as a Variant of Uncertain Significance.

NM_024741.3(ZNF408):c.880TCT[1] (p.Ser295del)

Gene: ZNF408 (zinc finger protein 408; plus strand). Cytogenetic location: 11p11.2.
Variant type: Microsatellite.
Coding change: c.880TCT[1] on transcript NM_024741.3 (MANE Select); one copy of the 3-base unit TCT starting at c.880; the reference has two copies in a row; one copy, 3 bases deleted.
Protein change: p.Ser295del; deletes serine 295.
Molecular consequence: inframe deletion.
Genome position (GRCh38, 1-based): chr11:46,704,583-46,704,585, TCT deleted; deleting any 3 consecutive bases within chr11:46,704,580-46,704,585 gives the same sequence; the position shown is the placement nearest the transcript's 3' end. VCF-style (leftmost placement, unchanged base first): chr11-46704579-ATCT-A. GRCh37 (hg19) VCF-style: chr11-46726129-ATCT-A.
Other names: c.856TCT[1], p.Ser287del (NM_001184751.2); short protein forms S287del, S295del.
Identifiers: ClinVar variation 1441211 (VCV001441211.8), dbSNP rs1565695062, ClinGen allele CA474042688.